The following is an entry in ClinVar:

NM_001083961.2(WDR62):c.2605G>A (p.Gly869Ser)

Gene: WDR62 (WD repeat domain 62; plus strand). Cytogenetic location: 19q13.12.
Variant type: single nucleotide variant.
Coding change: c.2605G>A on transcript NM_001083961.2 (MANE Select); coding-DNA position 2605, G replaced by A.
Protein change: p.Gly869Ser; replaces glycine 869 with serine.
Molecular consequence: missense variant.
Genome position (GRCh38, 1-based): chr19:36,099,483, G>A. VCF-style: chr19-36099483-G-A. GRCh37 (hg19) VCF-style: chr19-36590385-G-A.
Other names: c.2605G>A, p.Gly869Ser (NM_173636.5); short protein forms G869S.
Identifiers: ClinVar variation 328918 (VCV000328918.12), dbSNP rs377052586, ClinGen allele CA9396002.
Genomic context (GRCh38, chr19:36,099,483, plus strand): 5'-GGCTTGGCCTTCCACGCCAAGCGCAGCTACCAGCCCCACGGCCGCTGGGCAGAGCGGGCC[G>A]GCCAAGAGCCCCTCAAGACCATCCTGGATGCCCAGGACCTGGATTGCTACTTTACCCCCA-3'
Protein context (NP_001077430.1, residues 859-879): QPHGRWAERA[Gly869Ser]QEPLKTILDA

ClinVar aggregate classification (germline): Uncertain significance. Review status: criteria provided, multiple submitters, no conflicts (2 of 4 stars). 5 submissions from 5 submitters: Uncertain significance (5). Last evaluated 2025-07-21.

Conditions:
Inborn genetic diseases. Identifiers: MedGen C0950123, MeSH D030342.
Microcephaly 2, primary, autosomal recessive, with or without cortical malformations. Also called: MICROCEPHALY 2, PRIMARY, AUTOSOMAL RECESSIVE, WITH CORTICAL MALFORMATIONS; WDR62 Primary Microcephaly. Identifiers: Orphanet 2512, MedGen C1858535, MONDO:0011435, OMIM 604317.

Allele frequency attached by ClinVar (database versions not stated): gnomAD exomes 0.00002 and 0.00004; ExAC 0.00003; gnomAD 0.00006; TOPMed 0.00006; ESP Exome Variant Server 0.00008.
gnomAD v4.1: 62 of 1,614,034 alleles (0.0038%); highest among the groups gnomAD compares: African/African-American, 0.02%; no homozygotes.

Submissions (5):

Labcorp Genetics (formerly Invitae), Labcorp
Classification: Uncertain significance. Last evaluated: 2025-07-21. Review status: criteria provided, single submitter. Criteria: Invitae Variant Classification Sherloc (09022015). Collection method: clinical testing. Allele origin: germline.
Comment: This sequence change replaces glycine, which is neutral and non-polar, with serine, which is neutral and polar, at codon 869 of the WDR62 protein (p.Gly869Ser). This variant is present in population databases (rs377052586, gnomAD 0.03%). This variant has not been reported in the literature in individuals affected with WDR62-related conditions. ClinVar contains an entry for this variant (Variation ID: 328918). Invitae Evidence Modeling of protein sequence and biophysical properties (such as structural, functional, and spatial information, amino acid conservation, physicochemical variation, residue mobility, and thermodynamic stability) indicates that this missense variant is not expected to disrupt WDR62 protein function with a negative predictive value of 80%. In summary, the available evidence is currently insufficient to determine the role of this variant in disease. Therefore, it has been classified as a Variant of Uncertain Significance.

Ambry Genetics
Classification: Uncertain significance for Inborn genetic diseases. Last evaluated: 2024-09-24. Review status: criteria provided, single submitter. Criteria: Ambry Variant Classification Scheme 2023. Collection method: clinical testing. Allele origin: germline.

Blueprint Genetics
Classification: Uncertain significance. Last evaluated: 2023-08-10. Review status: criteria provided, single submitter. Criteria: ACMG Guidelines, 2015. Collection method: clinical testing. Allele origin: germline.

Baylor Genetics
Classification: Uncertain significance for Microcephaly 2, primary, autosomal recessive, with or without cortical malformations. Last evaluated: 2022-05-15. Review status: criteria provided, single submitter. Criteria: ACMG Guidelines, 2015. Collection method: clinical testing. Allele origin: unknown.

Illumina Laboratory Services, Illumina
Classification: Uncertain significance for Microcephaly 2, primary, autosomal recessive, with or without cortical malformations. Last evaluated: 2018-01-13. Review status: criteria provided, single submitter. Criteria: ICSL Variant Classification Criteria 13 December 2019. Collection method: clinical testing. Allele origin: germline.